The following is an entry in ClinVar:

ClinVar aggregate classification (germline): Uncertain significance (1 of 4 stars; one submission).

Allele frequency attached by ClinVar (database versions not stated): gnomAD below 0.00001 and 0.00007; TOPMed 0.00001; gnomAD exomes 0.00009 and 0.00019; ExAC 0.00020; 1000 Genomes Project 30x 0.00047; 1000 Genomes Project 0.00060.
gnomAD v4.1: 136 of 1,614,008 alleles (0.0084%); highest among the groups gnomAD compares: South Asian, 0.14%; 1 homozygote.

Submission:

Labcorp Genetics (formerly Invitae), Labcorp
Classification: Uncertain significance. Last evaluated: 2025-08-11. Review status: criteria provided, single submitter. Criteria: Invitae Variant Classification Sherloc (09022015). Collection method: clinical testing. Allele origin: germline.
Comment: This sequence change replaces serine, which is neutral and polar, with glycine, which is neutral and non-polar, at codon 902 of the ADGRA3 protein (p.Ser902Gly). This variant is present in population databases (rs572491468, gnomAD 0.2%), and has an allele count higher than expected for a pathogenic variant. This variant has not been reported in the literature in individuals affected with ADGRA3-related conditions. ClinVar contains an entry for this variant (Variation ID: 1018907). An algorithm developed to predict the effect of missense changes on protein structure and function (PolyPhen-2) suggests that this variant is likely to be disruptive. In summary, the available evidence is currently insufficient to determine the role of this variant in disease. Therefore, it has been classified as a Variant of Uncertain Significance.

NM_145290.4(ADGRA3):c.2704A>G (p.Ser902Gly)

Gene: ADGRA3 (adhesion G protein-coupled receptor A3; minus strand). Cytogenetic location: 4p15.2.
Variant type: single nucleotide variant.
Coding change: c.2704A>G on transcript NM_145290.4 (MANE Select); coding-DNA position 2704, A replaced by G.
Protein change: p.Ser902Gly; replaces serine 902 with glycine.
Molecular consequence: missense variant.
Genome position (GRCh38, 1-based): chr4:22,389,107, T>C on the plus strand (A>G on the coding strand, the complement: ADGRA3 is on the minus strand). VCF-style: chr4-22389107-T-C. GRCh37 (hg19) VCF-style: chr4-22390730-T-C.
Other names: short protein forms S902G.
Identifiers: ClinVar variation 1018907 (VCV001018907.9), dbSNP rs572491468, ClinGen allele CA2873550.